The following is an entry in ClinVar:

ClinVar aggregate classification (germline): Benign/Likely benign. Review status: criteria provided, multiple submitters, no conflicts (2 of 4 stars). 4 submissions from 4 submitters: Benign (3); Likely benign (1). Last evaluated 2026-01-26.

Allele frequency attached by ClinVar (database versions not stated): ExAC 0.00127; ESP Exome Variant Server 0.00231; gnomAD 0.00361 and 0.00384; TOPMed 0.00399; 1000 Genomes Project 0.00439; 1000 Genomes Project 30x 0.00484.
gnomAD v4.1: 1,107 of 1,610,126 alleles (0.069%); highest among the groups gnomAD compares: African/African-American, 1.3%; 9 homozygotes.

Submissions (4):

Labcorp Genetics (formerly Invitae), Labcorp
Classification: Benign. Last evaluated: 2026-01-26. Review status: criteria provided, single submitter. Criteria: Invitae Variant Classification Sherloc (09022015). Collection method: clinical testing. Allele origin: germline.

Blueprint Genetics
Classification: Likely benign. Last evaluated: 2024-08-12. Review status: criteria provided, single submitter. Criteria: ACMG Guidelines, 2015. Collection method: clinical testing. Allele origin: germline.

CeGaT Center for Human Genetics Tuebingen
Classification: Benign. Last evaluated: 2023-10-01. Review status: criteria provided, single submitter. Criteria: CeGaT Center For Human Genetics Tuebingen Variant Classification Criteria Version 2. Collection method: clinical testing. Allele origin: germline. Affected: yes. Observed: 1 variant allele.
Comment: SPEG: BP4, BP7, BS1, BS2

Breakthrough Genomics
Classification: Benign. Review status: criteria provided, single submitter. Criteria: ACMG Guidelines, 2015. Collection method: not provided. Allele origin: germline. Inheritance: Autosomal recessive inheritance. Affected: yes.

NM_005876.5(SPEG):c.5751G>A (p.Gly1917=)

Genes: ASIC4-AS1 (ASIC4 antisense RNA 1; minus strand), SPEG (striated muscle enriched protein kinase; plus strand). Cytogenetic location: 2q35.
Variant type: single nucleotide variant.
Coding change: c.5751G>A on transcript NM_005876.5 (MANE Select); coding-DNA position 5751, G replaced by A.
Protein change: p.Gly1917=; no amino-acid change (glycine 1917 retained).
Molecular consequence: synonymous variant.
Genome position (GRCh38, 1-based): chr2:219,483,214, G>A. VCF-style: chr2-219483214-G-A. GRCh37 (hg19) VCF-style: chr2-220347936-G-A.
Identifiers: ClinVar variation 711859 (VCV000711859.35), dbSNP rs56166111, ClinGen allele CA2126948.